The following is an entry in ClinVar:

NM_004859.4(CLTC):c.1535C>T (p.Pro512Leu)

Gene: CLTC (clathrin heavy chain; plus strand). Cytogenetic location: 17q23.1.
Variant type: single nucleotide variant.
Coding change: c.1535C>T on transcript NM_004859.4 (MANE Select); coding-DNA position 1535, C replaced by T.
Protein change: p.Pro512Leu; replaces proline 512 with leucine.
Molecular consequence: missense variant.
Genome position (GRCh38, 1-based): chr17:59,664,800, C>T. VCF-style: chr17-59664800-C-T. GRCh37 (hg19) VCF-style: chr17-57742161-C-T.
Other names: c.1547C>T, p.Pro516Leu (NM_001288653.2); short protein forms P512L, P516L.
Identifiers: ClinVar variation 1218668 (VCV001218668.3), dbSNP rs2143551058, ClinGen allele CA400426476.

ClinVar aggregate classification (germline): Uncertain significance (1 of 4 stars; one submission).

Submission:

GeneDx
Classification: Uncertain significance. Last evaluated: 2020-07-15. Review status: criteria provided, single submitter. Criteria: GeneDx Variant Classification Process June 2021. Collection method: clinical testing. Allele origin: germline. Affected: yes.
Comment: Not observed in large population cohorts (Lek et al., 2016); In silico analysis, which includes protein predictors and evolutionary conservation, supports a deleterious effect; Has not been previously published as pathogenic or benign to our knowledge